The following is an entry in ClinVar:

ClinVar aggregate classification (germline): Likely pathogenic (1 of 4 stars; one submission).

Conditions:
Hypomagnesemia, seizures, and impaired intellectual development 1. Also called: Hypomagnesemia, seizures, and intellectual disability 1. Identifiers: Orphanet 34527, MedGen C4225333, MONDO:0020787, OMIM 616418.

Submission:

New York Genome Center
Classification: Likely pathogenic for Hypomagnesemia, seizures, and impaired intellectual development 1. Last evaluated: 2021-09-08. Review status: criteria provided, single submitter. Criteria: NYGC Assertion Criteria 2020. Collection method: clinical testing. Allele origin: germline. Observed: 1 heterozygote. Study: CSER-NYCKidSeq.
Comment: The c.522dup (p.(Ile175AspfsTer236)) frameshift variant in CNNM2 has not previously been reported in the literature or public variant repositories (ClinVar and LOVD), and it has not been observed in the population databases (gnomAD v2.1 and v3, TOPMed Freeze 5). This variant occurs in the first exon of this 8-exon gene; however, it is expected to subject to nonsense mediated decay or result in disruption of the reading frame either by a protein truncation or loss of N-terminal part of the protein. There are other missense and frameshift variants upstream of the c.522dup variant reported as likely pathogenic and pathogenic in the literature [PMID:21397062,24699222] and ClinVar [ClinVar ID= 817123, 996041]. Based on the available evidence this c.522dup variant in CNNM2 is classified as Likely pathogenic.

NM_017649.5(CNNM2):c.522dup (p.Ile175fs)

Gene: CNNM2 (cyclin and CBS domain divalent metal cation transport mediator 2; plus strand). Cytogenetic location: 10q24.32.
Variant type: Duplication.
Coding change: c.522dup on transcript NM_017649.5 (MANE Select); coding-DNA position 522, one base duplicated (G; older notation c.522dupG).
Protein change: p.Ile175fs; shifts the reading frame from isoleucine 175.
Molecular consequence: frameshift variant.
Genome position (GRCh38, 1-based): chr10:102,919,002, G duplicated. VCF-style (leftmost placement, unchanged base first): chr10-102919001-A-AG. GRCh37 (hg19) VCF-style: chr10-104678758-A-AG.
Other names: c.522dup, p.Ile175fs (NM_199076.3, NM_199077.3); short protein forms I175fs.
Identifiers: ClinVar variation 1696568 (VCV001696568.1), dbSNP rs2134149603, ClinGen allele CA2580081199.
Genomic context (GRCh38, chr10:102,919,001, plus strand): 5'-CCTCAGACATCATCATCTTGCCCCACATCATTCTCAACCGCCGCACCTCGGGCATCATCG[A>AG]GATCGAGATCAAACCGCTACGCAAGATGGAGAAGAGCAAGTCCTATTACCTGTGCACGTC-3'